The following is an entry in ClinVar:

ClinVar aggregate classification (germline): Uncertain significance (1 of 4 stars; one submission).

Conditions:
Predisposition to invasive fungal disease due to CARD9 deficiency (IMD103). Also called: CARD9 IMMUNODEFICIENCY; IMMUNODEFICIENCY 103, SUSCEPTIBILITY TO FUNGAL INFECTIONS; Candidiasis, familial, 2, autosomal recessive. Identifiers: Orphanet 457088, MedGen C1859353, MONDO:0008905, OMIM 212050.

gnomAD v4.1: 8 of 1,612,564 alleles (0.0005%); highest among the groups gnomAD compares: Non-Finnish European, 0.00068%; no homozygotes.

Submission:

Labcorp Genetics (formerly Invitae), Labcorp
Classification: Uncertain significance for Predisposition to invasive fungal disease due to CARD9 deficiency. Last evaluated: 2022-01-02. Review status: criteria provided, single submitter. Criteria: Invitae Variant Classification Sherloc (09022015). Collection method: clinical testing. Allele origin: germline.
Comment: This sequence change replaces serine, which is neutral and polar, with phenylalanine, which is neutral and non-polar, at codon 139 of the CARD9 protein (p.Ser139Phe). This variant is not present in population databases (gnomAD no frequency). This variant has not been reported in the literature in individuals affected with CARD9-related conditions. Algorithms developed to predict the effect of missense changes on protein structure and function are either unavailable or do not agree on the potential impact of this missense change (SIFT: "Deleterious"; PolyPhen-2: "Possibly Damaging"; Align-GVGD: "Class C15"). In summary, the available evidence is currently insufficient to determine the role of this variant in disease. Therefore, it has been classified as a Variant of Uncertain Significance.

NM_052813.5(CARD9):c.416C>T (p.Ser139Phe)

Gene: CARD9 (caspase recruitment domain family member 9; minus strand). Cytogenetic location: 9q34.3.
Variant type: single nucleotide variant.
Coding change: c.416C>T on transcript NM_052813.5 (MANE Select); coding-DNA position 416, C replaced by T.
Protein change: p.Ser139Phe; replaces serine 139 with phenylalanine.
Molecular consequence: missense variant.
Genome position (GRCh38, 1-based): chr9:136,371,052, G>A on the plus strand (C>T on the coding strand, the complement: CARD9 is on the minus strand). VCF-style: chr9-136371052-G-A. GRCh37 (hg19) VCF-style: chr9-139265504-G-A.
Other names: c.416C>T, p.Ser139Phe (NM_052814.4); short protein forms S139F.
Identifiers: ClinVar variation 2069755 (VCV002069755.4), dbSNP rs2538669504, ClinGen allele CA375545515.